The following is an entry in ClinVar:

NM_000268.4(NF2):c.1463del (p.Pro488fs)

Gene: NF2 (NF2, moesin-ezrin-radixin like (MERLIN) tumor suppressor; plus strand). Cytogenetic location: 22q12.2.
Variant type: Deletion.
Coding change: c.1463del on transcript NM_000268.4 (MANE Select); coding-DNA position 1463, one base deleted (C; older notation c.1463delC).
Protein change: p.Pro488fs; shifts the reading frame from proline 488.
Molecular consequence: frameshift variant. On other transcripts: non-coding transcript variant (1), intron variant (1).
Genome position (GRCh38, 1-based): chr22:29,678,212, C deleted; the last of 2 consecutive C bases (chr22:29,678,211-29,678,212); deleting either gives the same sequence. VCF-style (leftmost placement, unchanged base first): chr22-29678210-TC-T. GRCh37 (hg19) VCF-style: chr22-30074199-TC-T.
Other names: c.1349delC, p.Pro450Glnfs (NM_001407053.1, NM_001407056.1); c.1340delC, p.Pro447Glnfs (NM_001407054.1, NM_001407058.1); c.1337delC, p.Pro446Glnfs (NM_001407055.1); c.1328delC, p.Pro443Glnfs (NM_001407057.1, NM_001407059.1); c.1463delC, p.Pro488Glnfs (NM_001407060.1, NM_001407066.1); c.1205delC, p.Pro402Glnfs (NM_001407062.1); c.1214delC, p.Pro405Glnfs (NM_001407063.1, NM_001407064.1); c.929delC, p.Pro310Glnfs (NM_001407065.1); and 6 more; short protein forms P446fs, P405fs, P488fs, P447fs.
Identifiers: ClinVar variation 1773200 (VCV001773200.3), dbSNP rs2518711603, ClinGen allele CA2580099505.
Genomic context (GRCh38, chr22:29,678,210, plus strand): 5'-GTGCTTGTATGACCCAAGCTCCTAATCCGAAATTTCTCATTAACAGCCCATGAACCCAAT[TC>T]CAGCACCGTTGCCTCCTGACATACCAAGCTTCAACCTCATTGGTGACAGCCTGTCTTTCG-3'

ClinVar aggregate classification (germline): Pathogenic (1 of 4 stars; one submission).

Conditions:
Hereditary cancer-predisposing syndrome. Also called: Hereditary Cancer Syndrome; Hereditary neoplastic syndrome; Neoplastic Syndromes, Hereditary; Tumor predisposition. Identifiers: Orphanet 140162, MedGen C0027672, MeSH D009386, MONDO:0015356.

Submission:

Ambry Genetics
Classification: Pathogenic for Hereditary cancer-predisposing syndrome. Last evaluated: 2022-10-31. Review status: criteria provided, single submitter. Criteria: Ambry Variant Classification Scheme 2023. Collection method: clinical testing. Allele origin: germline.
Comment: The c.1463delC pathogenic mutation, located in coding exon 14 of the NF2 gene, results from a deletion of one nucleotide at nucleotide position 1463, causing a translational frameshift with a predicted alternate stop codon (p.P488Qfs*27). In addition, this variant was detected in a pediatric meningioma specimen (Toland A et al. Brain Pathol, 2020 11;30:1134-1143). This variant is considered to be rare based on population cohorts in the Genome Aggregation Database (gnomAD). This alteration is expected to result in loss of function by premature protein truncation or nonsense-mediated mRNA decay. As such, this alteration is interpreted as a disease-causing mutation.

Literature cited by the submitters: PubMed 32716568.